The following is an entry in ClinVar:

NM_138694.4(PKHD1):c.3752_3753insTT (p.Leu1252fs)

Gene: PKHD1 (PKHD1 ciliary IPT domain containing fibrocystin/polyductin; minus strand). Cytogenetic location: 6p12.2.
Variant type: Insertion.
Coding change: c.3752_3753insTT on transcript NM_138694.4 (MANE Select); coding-DNA positions 3752 to 3753, TT inserted.
Protein change: p.Leu1252fs; shifts the reading frame from leucine 1252.
Molecular consequence: frameshift variant.
Genome position: GRCh38 VCF-style: chr6-52026057-G-GAA. GRCh37 (hg19) VCF-style: chr6-51890855-G-GAA.
Other names: c.3752_3753insTT, p.Leu1252fs (NM_170724.3); short protein forms L1252fs.
Identifiers: ClinVar variation 1726870 (VCV001726870.2), dbSNP rs2532739750, ClinGen allele CA2580075479.

ClinVar aggregate classification (germline): Likely pathogenic (1 of 4 stars; one submission).

Conditions:
Polycystic kidney disease 4 (PKD4). Also called: POLYCYSTIC KIDNEY AND HEPATIC DISEASE 1; POLYCYSTIC KIDNEY DISEASE, INFANTILE, TYPE I; POLYCYSTIC KIDNEY DISEASE 4 WITH OR WITHOUT POLYCYSTIC LIVER DISEASE; PKD3; Autosomal Recessive Polycystic Kidney Disease – PKHD1. Identifiers: MedGen C4540575, MONDO:0033004, OMIM 263200.

Submission:

Myriad Genetics, Inc.
Classification: Likely pathogenic for Polycystic kidney disease 4. Last evaluated: 2022-01-02. Review status: criteria provided, single submitter. Criteria: Myriad Women's Health Autosomal Recessive and X-Linked Classification Criteria (2021). Collection method: clinical testing. Allele origin: unknown.
Comment: NM_138694.3(PKHD1):c.3752_3753insTT(L1252Sfs*52) is expected to be pathogenic in the context of autosomal recessive polycystic kidney disease, PKHD1-related. This variant is predicted to lead to an abnormal or absent protein product due to the creation of a premature termination codon in PKHD1, a gene where loss-of-function variants are known to be pathogenic. Please note: this variant was assessed in the context of healthy population screening.